The following is an entry in ClinVar:

NM_000256.3(MYBPC3):c.1604T>C (p.Leu535Pro)

Gene: MYBPC3 (myosin binding protein C3; minus strand). Cytogenetic location: 11p11.2.
Variant type: single nucleotide variant.
Coding change: c.1604T>C on transcript NM_000256.3 (MANE Select); coding-DNA position 1604, T replaced by C.
Protein change: p.Leu535Pro; replaces leucine 535 with proline.
Molecular consequence: missense variant.
Genome position (GRCh38, 1-based): chr11:47,342,598, A>G on the plus strand (T>C on the coding strand, the complement: MYBPC3 is on the minus strand). VCF-style: chr11-47342598-A-G. GRCh37 (hg19) VCF-style: chr11-47364149-A-G.
Other names: p.L535P:CTG>CCG; c.1604T>C, p.Leu535Pro (LRG_386t1); short protein forms L535P.
Identifiers: ClinVar variation 180945 (VCV000180945.14), dbSNP rs730880548, ClinGen allele CA010722.

ClinVar aggregate classification (germline): Uncertain significance. Review status: criteria provided, multiple submitters, no conflicts (2 of 4 stars). 5 submissions from 5 submitters: Uncertain significance (5). Last evaluated 2026-01-12.

Conditions:
MYBPC3-related disorder. Also called: MYBPC3-related disorders; MYBPC3-related condition; MYBPC3-related disease.
Cardiovascular phenotype. Identifiers: MedGen CN230736.
Hypertrophic cardiomyopathy. Also called: HYPERTROPHIC MYOCARDIOPATHY. Identifiers: Orphanet 217569, MedGen C0007194, MeSH D002312, MONDO:0005045, HP:0001639.

Allele frequency attached by ClinVar (database versions not stated): gnomAD exomes below 0.00001; gnomAD 0.00003 and 0.00004; TOPMed 0.00004.
gnomAD v4.1: 7 of 1,608,980 alleles (0.00044%); highest among the groups gnomAD compares: African/African-American, 0.0093%; no homozygotes.

Submissions (5):

Labcorp Genetics (formerly Invitae), Labcorp
Classification: Uncertain significance for Hypertrophic cardiomyopathy. Last evaluated: 2026-01-12. Review status: criteria provided, single submitter. Criteria: Invitae Variant Classification Sherloc (09022015). Collection method: clinical testing. Allele origin: germline.
Comment: This sequence change replaces leucine, which is neutral and non-polar, with proline, which is neutral and non-polar, at codon 535 of the MYBPC3 protein (p.Leu535Pro). This variant is present in population databases (rs730880548, gnomAD 0.007%). This variant has not been reported in the literature in individuals affected with MYBPC3-related conditions. ClinVar contains an entry for this variant (Variation ID: 180945). An algorithm developed to predict the effect of missense changes on protein structure and function (PolyPhen-2) suggests that this variant is likely to be disruptive. In summary, the available evidence is currently insufficient to determine the role of this variant in disease. Therefore, it has been classified as a Variant of Uncertain Significance.

PreventionGenetics, part of Exact Sciences
Classification: Uncertain significance for MYBPC3-related condition. Last evaluated: 2025-10-09. Review status: criteria provided, single submitter. Criteria: ACMG Guidelines, 2015. Collection method: clinical testing. Allele origin: germline.
Comment: The MYBPC3 c.1604T>C variant is predicted to result in the amino acid substitution p.Leu535Pro. To our knowledge, this variant has not been reported in the literature. This variant is reported in 0.0065% of alleles in individuals of African descent in gnomAD. At this time, the clinical significance of this variant is uncertain due to the absence of conclusive functional and genetic evidence.

GeneDx
Classification: Uncertain significance. Last evaluated: 2025-08-22. Review status: criteria provided, single submitter. Criteria: GeneDx Variant Classification Process June 2021. Collection method: clinical testing. Allele origin: germline. Affected: yes.
Comment: Not observed at significant frequency in large population cohorts (gnomAD); In silico analysis suggests that this missense variant does not alter protein structure/function; Has not been previously published as pathogenic or benign to our knowledge

Ambry Genetics
Classification: Uncertain significance for Cardiovascular phenotype. Last evaluated: 2024-11-08. Review status: criteria provided, single submitter. Criteria: Ambry Variant Classification Scheme 2023. Collection method: clinical testing. Allele origin: germline.
Comment: The p.L535P variant (also known as c.1604T>C), located in coding exon 17 of the MYBPC3 gene, results from a T to C substitution at nucleotide position 1604. The leucine at codon 535 is replaced by proline, an amino acid with similar properties. This amino acid position is conserved. In addition, this alteration is predicted to be tolerated by in silico analysis. Since supporting evidence is limited at this time, the clinical significance of this alteration remains unclear.

All of Us Research Program, National Institutes of Health
Classification: Uncertain significance for Hypertrophic cardiomyopathy. Last evaluated: 2023-10-06. Review status: criteria provided, single submitter. Criteria: ACMG Guidelines, 2015. Collection method: clinical testing. Allele origin: germline. Inheritance: Autosomal dominant inheritance. Observed: 5 variant alleles, 5 heterozygotes.
Comment: This missense variant replaces leucine with proline at codon 535 of the MYBPC3 protein. Computational prediction suggests that this variant may not impact protein structure and function (internally defined REVEL score threshold <= 0.5, PMID: 27666373). To our knowledge, functional studies have not been reported for this variant. This variant has not been reported in individuals affected with MYBPC3-related disorders in the literature. This variant has been identified in 1/244498 chromosomes in the general population by the Genome Aggregation Database (gnomAD). The available evidence is insufficient to determine the role of this variant in disease conclusively. Therefore, this variant is classified as a Variant of Uncertain Significance.

This study involves interpretation of variants in research participants for the purpose of population health screening. Participant phenotype was not available at the time of variant classification. Additional details can be found in publication PMID: 35346344, PMCID: PMC8962531